The following is an entry in ClinVar:

NM_014141.6(CNTNAP2):c.1441G>A (p.Ala481Thr)

Gene: CNTNAP2 (contactin associated protein 2; plus strand). Cytogenetic location: 7q35.
Variant type: single nucleotide variant.
Coding change: c.1441G>A on transcript NM_014141.6 (MANE Select); coding-DNA position 1441, G replaced by A.
Protein change: p.Ala481Thr; replaces alanine 481 with threonine.
Molecular consequence: missense variant.
Genome position (GRCh38, 1-based): chr7:147,300,233, G>A. VCF-style: chr7-147300233-G-A. GRCh37 (hg19) VCF-style: chr7-146997325-G-A.
Other names: short protein forms A481T.
Identifiers: ClinVar variation 468416 (VCV000468416.7), dbSNP rs1329353667, ClinGen allele CA369925231.

ClinVar aggregate classification (germline): Uncertain significance (1 of 4 stars; one submission).

Conditions:
Cortical dysplasia-focal epilepsy syndrome (PTHSL1). Also called: Pitt-Hopkins-like syndrome 1. Identifiers: Orphanet 163681, Orphanet 221150, MedGen C2750246, MONDO:0012400, OMIM 610042.

Allele frequency attached by ClinVar (database versions not stated): gnomAD exomes below 0.00001; gnomAD 0.00001; TOPMed 0.00001.

Submission:

Labcorp Genetics (formerly Invitae), Labcorp
Classification: Uncertain significance for Cortical dysplasia-focal epilepsy syndrome. Last evaluated: 2025-01-06. Review status: criteria provided, single submitter. Criteria: Invitae Variant Classification Sherloc (09022015). Collection method: clinical testing. Allele origin: germline.
Comment: This sequence change replaces alanine, which is neutral and non-polar, with threonine, which is neutral and polar, at codon 481 of the CNTNAP2 protein (p.Ala481Thr). This variant is not present in population databases (gnomAD no frequency). This variant has not been reported in the literature in individuals affected with CNTNAP2-related conditions. ClinVar contains an entry for this variant (Variation ID: 468416). An algorithm developed to predict the effect of missense changes on protein structure and function (PolyPhen-2) suggests that this variant¬†is likely to be tolerated. In summary, the available evidence is currently insufficient to determine the role of this variant in disease. Therefore, it has been classified as a Variant of Uncertain Significance.